The following is an entry in ClinVar:

NM_177924.5(ASAH1):c.50G>C (p.Ser17Thr)

Gene: ASAH1 (N-acylsphingosine amidohydrolase 1; minus strand). Cytogenetic location: 8p22.
Variant type: single nucleotide variant.
Coding change: c.50G>C on transcript NM_177924.5 (MANE Select); coding-DNA position 50, G replaced by C.
Protein change: p.Ser17Thr; replaces serine 17 with threonine.
Molecular consequence: missense variant. On other transcripts: intron variant (2).
Genome position (GRCh38, 1-based): chr8:18,084,009, C>G on the plus strand (G>C on the coding strand, the complement: ASAH1 is on the minus strand). VCF-style: chr8-18084009-C-G. GRCh37 (hg19) VCF-style: chr8-17941518-C-G.
Other names: c.126+667G>C (NM_004315.6, NM_001127505.3); short protein forms S17T.
Identifiers: ClinVar variation 1483478 (VCV001483478.4), dbSNP rs368509218, ClinGen allele CA4651121.
Genomic context (GRCh38, chr8:18,084,009, plus strand): 5'-CCCTCTCTGCGCCTCGGCTCAAGCTCACTCACCGGCGGCGCGTGCTGCGCGACGGCACAG[C>G]TGACGGCGGCAGCCAGGAGGACTAAGGCGACGCAACTCCGGCCCGGCATCGCTCTAGCAG-3'
Protein context (NP_808592.2, residues 7-27): VALVLLAAAV[Ser17Thr]CAVAQHAPPW

ClinVar aggregate classification (germline): Uncertain significance (1 of 4 stars; one submission).

Allele frequency attached by ClinVar (database versions not stated): gnomAD 0.00001; ESP Exome Variant Server 0.00008.
gnomAD v4.1: 14 of 1,598,178 alleles (0.00088%); highest among the groups gnomAD compares: Non-Finnish European, 0.0011%; no homozygotes.

Submission:

Labcorp Genetics (formerly Invitae), Labcorp
Classification: Uncertain significance. Last evaluated: 2022-03-23. Review status: criteria provided, single submitter. Criteria: Invitae Variant Classification Sherloc (09022015). Collection method: clinical testing. Allele origin: germline.
Comment: This sequence change replaces serine, which is neutral and polar, with threonine, which is neutral and polar, at codon 17 of the ASAH1 protein (p.Ser17Thr). In summary, the available evidence is currently insufficient to determine the role of this variant in disease. Therefore, it has been classified as a Variant of Uncertain Significance. Algorithms developed to predict the effect of missense changes on protein structure and function (SIFT, PolyPhen-2, Align-GVGD) all suggest that this variant is likely to be tolerated. This variant has not been reported in the literature in individuals affected with ASAH1-related conditions. This variant is present in population databases (rs368509218, gnomAD 0.003%).